The following is an entry in ClinVar:

NM_002582.4(PARN):c.1678G>A (p.Ala560Thr)

Gene: PARN (poly(A)-specific ribonuclease; minus strand). Cytogenetic location: 16p13.12.
Variant type: single nucleotide variant.
Coding change: c.1678G>A on transcript NM_002582.4 (MANE Select); coding-DNA position 1678, G replaced by A.
Protein change: p.Ala560Thr; replaces alanine 560 with threonine.
Molecular consequence: missense variant.
Genome position (GRCh38, 1-based): chr16:14,447,074, C>T on the plus strand (G>A on the coding strand, the complement: PARN is on the minus strand). VCF-style: chr16-14447074-C-T. GRCh37 (hg19) VCF-style: chr16-14540931-C-T.
Other names: c.1495G>A, p.Ala499Thr (NM_001134477.3); c.1540G>A, p.Ala514Thr (NM_001242992.2); short protein forms A499T, A514T, A560T.
Identifiers: ClinVar variation 1928074 (VCV001928074.5), dbSNP rs2506562274, ClinGen allele CA395184611.

ClinVar aggregate classification (germline): Uncertain significance (1 of 4 stars; one submission).

Conditions:
Dyskeratosis congenita, autosomal recessive 6 (DKCB6). Identifiers: MedGen C4225356, MONDO:0014600, OMIM 616353.
Pulmonary fibrosis and/or bone marrow failure, Telomere-related, 4. Also called: PULMONARY FIBROSIS AND/OR BONE MARROW FAILURE SYNDROME, TELOMERE-RELATED, 4. Identifiers: Orphanet 2032, MedGen C4225347, MONDO:0014612, OMIM 616371.

Submission:

Labcorp Genetics (formerly Invitae), Labcorp
Classification: Uncertain significance for Dyskeratosis congenita, autosomal recessive 6; Pulmonary fibrosis and/or bone marrow failure, Telomere-related, 4. Last evaluated: 2022-09-22. Review status: criteria provided, single submitter. Criteria: Invitae Variant Classification Sherloc (09022015). Collection method: clinical testing. Allele origin: germline.
Comment: In summary, the available evidence is currently insufficient to determine the role of this variant in disease. Therefore, it has been classified as a Variant of Uncertain Significance. Algorithms developed to predict the effect of missense changes on protein structure and function output the following: SIFT: "Tolerated"; PolyPhen-2: "Benign"; Align-GVGD: "Class C0". The threonine amino acid residue is found in multiple mammalian species, which suggests that this missense change does not adversely affect protein function. This variant has not been reported in the literature in individuals affected with PARN-related conditions. This variant is not present in population databases (gnomAD no frequency). This sequence change replaces alanine, which is neutral and non-polar, with threonine, which is neutral and polar, at codon 560 of the PARN protein (p.Ala560Thr).